The following is an entry in ClinVar:

NM_007294.4(BRCA1):c.4042G>T (p.Gly1348Ter)

Genes: BRCA1 (BRCA1 DNA repair associated; minus strand), LOC126862571 (BRD4-independent group 4 enhancer GRCh37_chr17:41243136-41244335; plus strand). Cytogenetic location: 17q21.31.
Variant type: single nucleotide variant.
Coding change: c.4042G>T on transcript NM_007294.4 (MANE Select); coding-DNA position 4042, G replaced by T.
Protein change: p.Gly1348Ter; replaces glycine 1348 with a stop codon.
Molecular consequence: nonsense. On other transcripts: intron variant (135).
Genome position (GRCh38, 1-based): chr17:43,091,489, C>A on the plus strand (G>T on the coding strand, the complement: BRCA1 is on the minus strand). VCF-style: chr17-43091489-C-A. GRCh37 (hg19) VCF-style: chr17-41243506-C-A.
Other names: 4161G>T; c.4042G>T, p.Gly1348Ter (NM_001407626.1, NM_001407639.1, NM_001407640.1 and 30 more transcripts); c.4039G>T, p.Gly1347Ter (NM_001407627.1, NM_001407628.1, NM_001407629.1 and 22 more transcripts); c.4033G>T, p.Gly1345Ter (NM_001407646.1, NM_001407647.1); c.3919G>T, p.Gly1307Ter (NM_001407648.1, NM_001407664.1, NM_001407665.1 and 19 more transcripts); c.3916G>T, p.Gly1306Ter (NM_001407649.1, NM_001407670.1, NM_001407671.1 and 11 more transcripts); c.3964G>T, p.Gly1322Ter (NM_001407653.1, NM_001407654.1, NM_001407655.1 and 4 more transcripts); c.3961G>T, p.Gly1321Ter (NM_001407659.1, NM_001407660.1, NM_001407661.1 and 1 more transcripts); and 42 more; short protein forms G1348*, G1301*, G1221*, G1237*, G1277*, G1300*, G1307*, G1321*.
Identifiers: ClinVar variation 266433 (VCV000266433.11), dbSNP rs886040191, ClinGen allele CA10589699.

ClinVar aggregate classification (germline): Pathogenic. Review status: reviewed by expert panel (3 of 4 stars). 4 submissions from 4 submitters: Pathogenic (1). 3 of the submissions do not count toward it. Last evaluated 2016-10-18.

Conditions:
Hereditary breast ovarian cancer syndrome. Also called: Hereditary breast and ovarian cancer syndrome (HBOC); Breast and ovarian cancer; Hereditary breast and ovarian cancer syndrome; Hereditary breast and ovarian cancer; BRCA1- and BRCA2-Associated Hereditary Breast and Ovarian Cancer; Hereditary breast and/or ovarian cancer syndrome. Identifiers: Orphanet 145, MedGen C0677776, MeSH D061325, MONDO:0003582. Disease mechanism: loss of function.
Hereditary cancer-predisposing syndrome. Also called: Hereditary Cancer Syndrome; Neoplastic Syndromes, Hereditary; Hereditary neoplastic syndrome; Tumor predisposition. Identifiers: Orphanet 140162, MedGen C0027672, MeSH D009386, MONDO:0015356.
Breast-ovarian cancer, familial, susceptibility to, 1 (BROVCA1). Also called: BRCA1 Hereditary Breast and Ovarian Cancer; OVARIAN CANCER, SUSCEPTIBILITY TO. Identifiers: Orphanet 145, MedGen C2676676, MONDO:0011450, OMIM 604370. Disease mechanism: loss of function.

Submissions (4):

Evidence-based Network for the Interpretation of Germline Mutant Alleles (ENIGMA)
Classification: Pathogenic for Breast-ovarian cancer, familial, susceptibility to, 1. Last evaluated: 2016-10-18. Review status: reviewed by expert panel. Criteria: ENIGMA BRCA1/2 Classification Criteria (2015). Collection method: curation. Allele origin: germline.
Comment: Variant allele predicted to encode a truncated non-functional protein.

Labcorp Genetics (formerly Invitae), Labcorp
Classification: Pathogenic for Hereditary breast ovarian cancer syndrome. Last evaluated: 2022-10-30. Review status: criteria provided, single submitter. Criteria: Invitae Variant Classification Sherloc (09022015). Collection method: clinical testing. Allele origin: germline. Not counted in ClinVar's aggregate classification.
Comment: For these reasons, this variant has been classified as Pathogenic. This sequence change creates a premature translational stop signal (p.Gly1348*) in the BRCA1 gene. It is expected to result in an absent or disrupted protein product. Loss-of-function variants in BRCA1 are known to be pathogenic (PMID: 20104584). This variant is not present in population databases (gnomAD no frequency). This premature translational stop signal has been observed in individual(s) with breast cancer and/or ovarian cancer (PMID: 28947987, 29446198, 30103829). ClinVar contains an entry for this variant (Variation ID: 266433).

Color Diagnostics, LLC DBA Color Health
Classification: Pathogenic for Hereditary cancer-predisposing syndrome. Last evaluated: 2022-01-31. Review status: criteria provided, single submitter. Criteria: ACMG Guidelines, 2015. Collection method: clinical testing. Allele origin: germline. Not counted in ClinVar's aggregate classification.
Comment: This variant changes 1 nucleotide in exon 10 of the BRCA1 gene, creating a premature translation stop signal. This variant is expected to result in an absent or non-functional protein product. This variant has been reported in individuals at high-risk for or affected with breast and/or ovarian cancer (PMID: 31209999, 34072659), and has been identified in one family among the CIMBA participants (PMID: 29446198). This variant has not been identified in the general population by the Genome Aggregation Database (gnomAD). Loss of BRCA1 function is a known mechanism of disease. Based on the available evidence, this variant is classified as Pathogenic.

Consortium of Investigators of Modifiers of BRCA1/2 (CIMBA), c/o University of Cambridge
Classification: Pathogenic for Breast-ovarian cancer, familial, susceptibility to, 1. Last evaluated: 2015-10-02. Review status: criteria provided, single submitter. Criteria: CIMBA Mutation Classification guidelines May 2016. Collection method: clinical testing. Allele origin: germline. Not counted in ClinVar's aggregate classification.

Literature cited by the submitters: PubMed 20104584 (cited by Labcorp Genetics (formerly Invitae), Labcorp); PubMed 28947987 (cited by Labcorp Genetics (formerly Invitae), Labcorp); PubMed 29446198 (cited by Labcorp Genetics (formerly Invitae), Labcorp and Color Diagnostics, LLC DBA Color Health); PubMed 30103829 (cited by Labcorp Genetics (formerly Invitae), Labcorp); PubMed 31209999 (cited by Color Diagnostics, LLC DBA Color Health); PubMed 34072659 (cited by Color Diagnostics, LLC DBA Color Health).